The following is an entry in ClinVar:

NM_014905.5(GLS):c.369G>C (p.Leu123=)

Gene: GLS (glutaminase; plus strand). Cytogenetic location: 2q32.2.
Variant type: single nucleotide variant.
Coding change: c.369G>C on transcript NM_014905.5 (MANE Select); coding-DNA position 369, G replaced by C.
Protein change: p.Leu123=; no amino-acid change (leucine 123 retained).
Molecular consequence: synonymous variant.
Genome position (GRCh38, 1-based): chr2:190,881,453, G>C. VCF-style: chr2-190881453-G-C. GRCh37 (hg19) VCF-style: chr2-191746179-G-C.
Other names: c.369G>C, p.Leu123= (NM_001256310.2).
Identifiers: ClinVar variation 3389615 (VCV003389615.14).

ClinVar aggregate classification (germline): Likely benign (1 of 4 stars; one submission).

gnomAD v4.1: 3 of 1,541,732 alleles (0.00019%); highest among the groups gnomAD compares: Non-Finnish European, 0.00026%; no homozygotes.

Submission:

CeGaT Center for Human Genetics Tuebingen
Classification: Likely benign. Last evaluated: 2024-09-01. Review status: criteria provided, single submitter. Criteria: CeGaT Center For Human Genetics Tuebingen Variant Classification Criteria Version 2. Collection method: clinical testing. Allele origin: germline. Affected: yes. Observed: 1 variant allele.
Comment: GLS: BP4, BP7